The following is an entry in ClinVar:

NM_000163.5(GHR):c.1169G>C (p.Cys390Ser)

Gene: GHR (growth hormone receptor; plus strand). Cytogenetic location: 5p12.
Variant type: single nucleotide variant.
Coding change: c.1169G>C on transcript NM_000163.5 (MANE Select); coding-DNA position 1169, G replaced by C.
Protein change: p.Cys390Ser; replaces cysteine 390 with serine.
Molecular consequence: missense variant. On other transcripts: 3 prime UTR variant (1).
Genome position (GRCh38, 1-based): chr5:42,718,676, G>C. VCF-style: chr5-42718676-G-C. GRCh37 (hg19) VCF-style: chr5-42718778-G-C.
Other names: c.1190G>C, p.Cys397Ser (NM_001242399.2); c.1169G>C, p.Cys390Ser (NM_001242400.2, NM_001242401.4, NM_001242402.2 and 4 more transcripts); c.1103G>C, p.Cys368Ser (NM_001242460.2); c.*211G>C (NM_001242462.1); short protein forms C368S, C397S, C390S.
Identifiers: ClinVar variation 4759692 (VCV004759692.1).

ClinVar aggregate classification (germline): Uncertain significance (1 of 4 stars; one submission).

gnomAD v4.1: 28 of 1,614,228 alleles (0.0017%); highest among the groups gnomAD compares: Non-Finnish European, 0.0024%; no homozygotes.

Submission:

Labcorp Genetics (formerly Invitae), Labcorp
Classification: Uncertain significance. Last evaluated: 2025-12-01. Review status: criteria provided, single submitter. Criteria: Invitae Variant Classification Sherloc (09022015). Collection method: clinical testing. Allele origin: germline.
Comment: This sequence change replaces cysteine, which is neutral and slightly polar, with serine, which is neutral and polar, at codon 390 of the GHR protein (p.Cys390Ser). This variant is present in population databases (no rsID available, gnomAD 0.0009%). This variant has not been reported in the literature in individuals affected with GHR-related conditions. Invitae Evidence Modeling of protein sequence and biophysical properties (such as structural, functional, and spatial information, amino acid conservation, physicochemical variation, residue mobility, and thermodynamic stability) indicates that this missense variant is not expected to disrupt GHR protein function with a negative predictive value of 80%. In summary, the available evidence is currently insufficient to determine the role of this variant in disease. Therefore, it has been classified as a Variant of Uncertain Significance.